The following is an entry in ClinVar:

ClinVar aggregate classification (germline): Uncertain significance (1 of 4 stars; one submission).

gnomAD v4.1: 1 of 1,609,434 alleles (0.000062%); highest among the groups gnomAD compares: Non-Finnish European, 0.000085%; no homozygotes.

Submission:

Labcorp Genetics (formerly Invitae), Labcorp
Classification: Uncertain significance. Last evaluated: 2024-07-02. Review status: criteria provided, single submitter. Criteria: Invitae Variant Classification Sherloc (09022015). Collection method: clinical testing. Allele origin: germline.
Comment: This sequence change replaces serine, which is neutral and polar, with phenylalanine, which is neutral and non-polar, at codon 328 of the AP3D1 protein (p.Ser328Phe). This variant is not present in population databases (gnomAD no frequency). This variant has not been reported in the literature in individuals affected with AP3D1-related conditions. An algorithm developed to predict the effect of missense changes on protein structure and function (PolyPhen-2) suggests that this variant is likely to be disruptive. In summary, the available evidence is currently insufficient to determine the role of this variant in disease. Therefore, it has been classified as a Variant of Uncertain Significance.

NM_001261826.3(AP3D1):c.983C>T (p.Ser328Phe)

Gene: AP3D1 (adaptor related protein complex 3 subunit delta 1; minus strand). Cytogenetic location: 19p13.3.
Variant type: single nucleotide variant.
Coding change: c.983C>T on transcript NM_001261826.3 (MANE Select); coding-DNA position 983, C replaced by T.
Protein change: p.Ser328Phe; replaces serine 328 with phenylalanine.
Molecular consequence: missense variant.
Genome position (GRCh38, 1-based): chr19:2,121,852, G>A on the plus strand (C>T on the coding strand, the complement: AP3D1 is on the minus strand). VCF-style: chr19-2121852-G-A. GRCh37 (hg19) VCF-style: chr19-2121851-G-A.
Other names: c.983C>T, p.Ser328Phe (NM_001374799.1, NM_003938.8); short protein forms S328F.
Identifiers: ClinVar variation 3657898 (VCV003657898.2).
Genomic context (GRCh38, chr19:2,121,852, plus strand): 5'-CACTGCAGGATGAGGTCCTTGTGGGACTGCACGGACTTGGGGTGGGTCTTCAGGATCTTG[G>A]ACATTGCCAGCAGCCCCAGGTACTTCACTGCAGAGAGAGGCCAGAGCCGGGTCACTGGGA-3'
Protein context (NP_001248755.1, residues 318-338): NLKYLGLLAM[Ser328Phe]KILKTHPKSV